The following is an entry in ClinVar:

ClinVar aggregate classification (germline): Uncertain significance (1 of 4 stars; one submission).

Conditions:
Neuropathy, hereditary sensory and autonomic, type 2A (HSAN2A). Also called: ACROOSTEOLYSIS, GIACCAI TYPE; ACROOSTEOLYSIS, NEUROGENIC; MORVAN DISEASE; NEUROPATHY, CONGENITAL SENSORY; NEUROPATHY, HEREDITARY SENSORY RADICULAR, AUTOSOMAL RECESSIVE; NEUROPATHY, HEREDITARY SENSORY, TYPE IIA. Identifiers: Orphanet 970, MedGen C2752089, MONDO:0024309, OMIM 201300.
Generalized epilepsy with febrile seizures plus, type 7 (GEFSP7). Also called: GEFS+, TYPE 7. Identifiers: Orphanet 36387, MedGen C2751778, MONDO:0013470, OMIM 613863.

gnomAD v4.1: 2 of 1,582,160 alleles (0.00013%); highest among the groups gnomAD compares: Admixed American, 0.0038%; no homozygotes.

Submission:

Labcorp Genetics (formerly Invitae), Labcorp
Classification: Uncertain significance for Neuropathy, hereditary sensory and autonomic, type 2A; Generalized epilepsy with febrile seizures plus, type 7. Last evaluated: 2024-06-03. Review status: criteria provided, single submitter. Criteria: Invitae Variant Classification Sherloc (09022015). Collection method: clinical testing. Allele origin: germline.
Comment: This sequence change replaces isoleucine, which is neutral and non-polar, with asparagine, which is neutral and polar, at codon 450 of the SCN9A protein (p.Ile450Asn). This variant is present in population databases (no rsID available, gnomAD 0.007%). This variant has not been reported in the literature in individuals affected with SCN9A-related conditions. Advanced modeling of protein sequence and biophysical properties (such as structural, functional, and spatial information, amino acid conservation, physicochemical variation, residue mobility, and thermodynamic stability) has been performed at Invitae for this missense variant, however the output from this modeling did not meet the statistical confidence thresholds required to predict the impact of this variant on SCN9A protein function. In summary, the available evidence is currently insufficient to determine the role of this variant in disease. Therefore, it has been classified as a Variant of Uncertain Significance.

NM_001365536.1(SCN9A):c.1349T>A (p.Ile450Asn)

Genes: SCN9A (sodium voltage-gated channel alpha subunit 9; minus strand), SCN1A-AS1 (SCN1A and SCN9A antisense RNA 1; plus strand). Cytogenetic location: 2q24.3.
Variant type: single nucleotide variant.
Coding change: c.1349T>A on transcript NM_001365536.1 (MANE Select); coding-DNA position 1349, T replaced by A.
Protein change: p.Ile450Asn; replaces isoleucine 450 with asparagine.
Molecular consequence: missense variant.
Genome position (GRCh38, 1-based): chr2:166,286,589, A>T on the plus strand (T>A on the coding strand, the complement: SCN9A is on the minus strand). VCF-style: chr2-166286589-A-T. GRCh37 (hg19) VCF-style: chr2-167143099-A-T.
Other names: c.1349T>A, p.Ile450Asn (NM_002977.4); short protein forms I450N.
Identifiers: ClinVar variation 2941300 (VCV002941300.3), dbSNP rs1258991294, ClinGen allele CA349084943.